The following is an entry in ClinVar:

NC_000015.9:g.(?_48703187)_(48714285_?)del

Gene: FBN1 (fibrillin 1; minus strand). Cytogenetic location: 15q21.1.
Variant type: Deletion.
Identifiers: ClinVar variation 1375011 (VCV001375011.5).

ClinVar aggregate classification (germline): Pathogenic (1 of 4 stars; one submission).

Conditions:
Marfan syndrome (MFS). Also called: Marfan syndrome type 1; Marfan's syndrome; FBN1-Related Marfan Syndrome; MARFAN SYNDROME, TYPE I; Marfan syndrome, classic. Identifiers: Orphanet 284963, Orphanet 558, MedGen C0024796, MONDO:0007947, OMIM 154700.
Familial thoracic aortic aneurysm and aortic dissection (TAAD). Also called: Thoracic aortic aneurysms and dissections. Identifiers: Orphanet 91387, MedGen C4707243, MONDO:0019625.

Submission:

Labcorp Genetics (formerly Invitae), Labcorp
Classification: Pathogenic for Marfan syndrome; Familial thoracic aortic aneurysm and aortic dissection. Last evaluated: 2022-06-10. Review status: criteria provided, single submitter. Criteria: Invitae Variant Classification Sherloc (09022015). Collection method: clinical testing. Allele origin: germline.
Comment: For these reasons, this variant has been classified as Pathogenic. This variant disrupts a region of the FBN1 protein in which other variant(s) (p.Gly2859Valfs*4 ) have been determined to be pathogenic (Invitae). This suggests that this is a clinically significant region of the protein, and that variants that disrupt it are likely to be disease-causing. A similar copy number variant has been observed in individual(s) with clinical features of FBN1-related conditions (PMID: 25907466). This variant is a gross deletion of the genomic region encompassing exon(s) 61-66 of the FBN1 gene, which includes the termination codon. This deletion extends beyond the assayed region for this gene and therefore may encompass additional genes. While this deletion is not anticipated to lead to nonsense mediated decay, it is expected to alter mRNA translation or result in a truncated protein product.

Literature cited by the submitters: PubMed 25907466.